The following is an entry in ClinVar:

ClinVar aggregate classification (germline): Uncertain significance (1 of 4 stars; one submission).

gnomAD v4.1: 2 of 1,206,411 alleles (0.00017%); highest among the groups gnomAD compares: Admixed American, 0.0022%; no homozygotes.

Submission:

GeneDx
Classification: Uncertain significance. Last evaluated: 2026-01-22. Review status: criteria provided, single submitter. Criteria: GeneDx Variant Classification Process June 2021. Collection method: clinical testing. Allele origin: germline.
Comment: Not observed at significant frequency in large population cohorts (gnomAD); In silico analysis suggests that this missense variant does not alter protein structure/function; Has not been previously published as pathogenic or benign to our knowledge

NM_015107.3(PHF8):c.1871G>C (p.Arg624Thr)

Gene: PHF8 (PHD finger protein 8; minus strand). Cytogenetic location: Xp11.22.
Variant type: single nucleotide variant.
Coding change: c.1871G>C on transcript NM_015107.3 (MANE Select); coding-DNA position 1871, G replaced by C.
Protein change: p.Arg624Thr; replaces arginine 624 with threonine.
Molecular consequence: missense variant.
Genome position (GRCh38, 1-based): chrX:53,987,804, C>G on the plus strand (G>C on the coding strand, the complement: PHF8 is on the minus strand). VCF-style: chrX-53987804-C-G. GRCh37 (hg19) VCF-style: chrX-54014237-C-G.
Other names: c.1676G>C, p.Arg559Thr (NM_001441096.1, NM_001441098.1); c.1979G>C, p.Arg660Thr (NM_001441097.1, NM_001184896.1); c.1568G>C, p.Arg523Thr (NM_001184897.2); c.1871G>C, p.Arg624Thr (NM_001184898.2); short protein forms R523T, R559T, R624T, R660T.
Identifiers: ClinVar variation 4282362 (VCV004282362.2).